The following is an entry in ClinVar:

NM_017849.4(TMEM127):c.1A>G (p.Met1Val)

Genes: TMEM127 (transmembrane protein 127; minus strand), LOC129934333 (ATAC-STARR-seq lymphoblastoid silent region 11759; plus strand). Cytogenetic location: 2q11.2.
Variant type: single nucleotide variant.
Coding change: c.1A>G on transcript NM_017849.4 (MANE Select); coding-DNA position 1, A replaced by G.
Protein change: p.Met1Val; changes the start codon (methionine 1).
Molecular consequence: missense variant, initiator codon variant.
Genome position (GRCh38, 1-based): chr2:96,265,381, T>C on the plus strand (A>G on the coding strand, the complement: TMEM127 is on the minus strand). VCF-style: chr2-96265381-T-C. GRCh37 (hg19) VCF-style: chr2-96931119-T-C.
Other names: c.1A>G, p.Met1Val (NM_001193304.3); short protein forms M1V.
Identifiers: ClinVar variation 489057 (VCV000489057.3), dbSNP rs1553437759, ClinGen allele CA347656382.

ClinVar aggregate classification (germline): Uncertain significance (1 of 4 stars; one submission).

Allele frequency attached by ClinVar (database versions not stated): gnomAD exomes below 0.00001; TOPMed below 0.00001.

Submission:

GeneDx
Classification: Uncertain significance. Last evaluated: 2017-09-14. Review status: criteria provided, single submitter. Criteria: GeneDx Variant Classification (06012015). Collection method: clinical testing. Allele origin: germline. Affected: yes.
Comment: This variant, denoted TMEM127 c.1A>G at the cDNA level, alters the initiator Methionine codon, andthe resultant protein would be described as â€œp.Met1?â€ to signify that it is not known if the loss of Met1 prevents allprotein translation. TMEM127 c.1A>G has not, to our knowledge, been published as pathogenic, nor has it beenreported as a benign polymorphism. Although such variants are typically pathogenic, there is insufficient evidence todetermine if some protein function could be rescued using an alternate initiator codon. Based on currently availableinformation, it is unclear whether TMEM127 c.1A>G is pathogenic or benign. We consider it to be a variant of uncertainsignificance.